The following is an entry in ClinVar:

ClinVar aggregate classification (germline): Uncertain significance (1 of 4 stars; one submission).

Conditions:
Singleton-Merten syndrome 1 (SGMRT1). Also called: Widened medullary cavities of bone, aortic calcification, abnormal dentition, and muscular weakness; Syndrome of widened medullary cavities of the metacarpals and phalanges, aortic calcification and abnormal dentition. Identifiers: Orphanet 85191, MedGen C4225427, MONDO:0024535, OMIM 182250.
Aicardi-Goutieres syndrome 7 (AGS7). Identifiers: Orphanet 51, MedGen C3888244, MONDO:0014367, OMIM 615846.

Submission:

Labcorp Genetics (formerly Invitae), Labcorp
Classification: Uncertain significance for Aicardi-Goutieres syndrome 7; Singleton-Merten syndrome 1. Last evaluated: 2022-08-15. Review status: criteria provided, single submitter. Criteria: Invitae Variant Classification Sherloc (09022015). Collection method: clinical testing. Allele origin: germline.
Comment: In summary, the available evidence is currently insufficient to determine the role of this variant in disease. Therefore, it has been classified as a Variant of Uncertain Significance. ClinVar contains an entry for this variant (Variation ID: 1063467). This variant has not been reported in the literature in individuals affected with IFIH1-related conditions. This variant is not present in population databases (gnomAD no frequency). This sequence change creates a premature translational stop signal (p.Asp673Glufs*9) in the IFIH1 gene. It is expected to result in an absent or disrupted protein product. However, the current clinical and genetic evidence is not sufficient to establish whether loss-of-function variants in IFIH1 cause disease.

NM_022168.4(IFIH1):c.2019_2020del (p.Asp673fs)

Gene: IFIH1 (interferon induced with helicase C domain 1; minus strand). Cytogenetic location: 2q24.2.
Variant type: Deletion.
Coding change: c.2019_2020del on transcript NM_022168.4 (MANE Select); coding-DNA positions 2019 to 2020, 2 bases deleted (TA; older notation c.2019_2020delTA).
Protein change: p.Asp673fs; shifts the reading frame from aspartic acid 673.
Molecular consequence: frameshift variant.
Genome position (GRCh38, 1-based): chr2:162,277,439-162,277,440, TA deleted on the plus strand (TA on the coding strand, the reverse complement: IFIH1 is on the minus strand); deleting any 2 consecutive bases within chr2:162,277,439-162,277,441 gives the same sequence; the c. name uses the placement nearest the transcript's 3' end. VCF-style (leftmost placement, unchanged base first): chr2-162277438-CTA-C. GRCh37 (hg19) VCF-style: chr2-163133948-CTA-C.
Other names: short protein forms D673fs.
Identifiers: ClinVar variation 1063467 (VCV001063467.7), dbSNP rs2105197403, ClinGen allele CA2499215140.
Genomic context (GRCh38, chr2:162,277,438, plus strand): 5'-AATGAATGACACCAGTATATGTTACTTTGAATCTTACCAAAAAATAAAGTCATGAGAAAT[CTA>C]TCTGTTTCATCCAGTTTCAAAGGTTTCTTTAAATCATCCTCATCTTCATCACCATCACAA-3'